The following is an entry in ClinVar:

ClinVar aggregate classification (germline): Conflicting classifications of pathogenicity. Review status: criteria provided, conflicting classifications (1 of 4 stars). 2 submissions from 2 submitters: Uncertain significance (1); Likely benign (1). Last evaluated 2024-05-13.

Allele frequency attached by ClinVar (database versions not stated): gnomAD 0.00001; TOPMed 0.00001; gnomAD exomes 0.00005 and 0.00009; ExAC 0.00020.
gnomAD v4.1: 77 of 1,590,974 alleles (0.0048%); highest among the groups gnomAD compares: South Asian, 0.085%; no homozygotes.

Submissions (2):

Blueprint Genetics
Classification: Likely benign. Last evaluated: 2024-05-13. Review status: criteria provided, single submitter. Criteria: ACMG Guidelines, 2015. Collection method: clinical testing. Allele origin: germline.

Labcorp Genetics (formerly Invitae), Labcorp
Classification: Uncertain significance. Last evaluated: 2022-02-03. Review status: criteria provided, single submitter. Criteria: Invitae Variant Classification Sherloc (09022015). Collection method: clinical testing. Allele origin: germline.
Comment: This sequence change affects codon 1074 of the ARHGEF18 mRNA. It is a 'silent' change, meaning that it does not change the encoded amino acid sequence of the ARHGEF18 protein. It affects a nucleotide within the consensus splice site. This variant is present in population databases (rs777851547, gnomAD 0.07%). This variant has not been reported in the literature in individuals affected with ARHGEF18-related conditions. ClinVar contains an entry for this variant (Variation ID: 1063438). Algorithms developed to predict the effect of sequence changes on RNA splicing suggest that this variant is not likely to affect RNA splicing. In summary, the available evidence is currently insufficient to determine the role of this variant in disease. Therefore, it has been classified as a Variant of Uncertain Significance.

NM_001367823.1(ARHGEF18):c.3786A>G (p.Ser1262=)

Gene: ARHGEF18 (Rho/Rac guanine nucleotide exchange factor 18; plus strand). Cytogenetic location: 19p13.2.
Variant type: single nucleotide variant.
Coding change: c.3786A>G on transcript NM_001367823.1 (MANE Select); coding-DNA position 3786, A replaced by G.
Protein change: p.Ser1262=; no amino-acid change (serine 1262 retained).
Molecular consequence: synonymous variant.
Genome position (GRCh38, 1-based): chr19:7,469,130, A>G. VCF-style: chr19-7469130-A-G. GRCh37 (hg19) VCF-style: chr19-7534016-A-G.
Other names: c.3060A>G, p.Ser1020= (NM_001130955.2); c.2748A>G, p.Ser916= (NM_001367824.1, NM_015318.4).
Identifiers: ClinVar variation 1063438 (VCV001063438.7), dbSNP rs777851547, ClinGen allele CA9137238.